The following is an entry in ClinVar:

NM_000218.3(KCNQ1):c.1514+16122A>C

Genes: KCNQ1 (potassium voltage-gated channel subfamily Q member 1; plus strand), KCNQ1OT1 (KCNQ1 opposite strand/antisense transcript 1; minus strand). Cytogenetic location: 11p15.5.
Variant type: single nucleotide variant.
Coding change: c.1514+16122A>C on transcript NM_000218.3 (MANE Select); 16122 bases into the intron after coding-DNA position 1514, A replaced by C.
Molecular consequence: intron variant. On other transcripts: non-coding transcript variant (1).
Genome position (GRCh38, 1-based): chr11:2,678,203, A>C. VCF-style: chr11-2678203-A-C. GRCh37 (hg19) VCF-style: chr11-2699433-A-C.
Other names: c.1244+16122A>C (NM_001406837.1); c.1418+16122A>C (NM_001406836.1); c.974+16122A>C (NM_001406838.1); c.1133+16122A>C (NM_181798.2).
Identifiers: ClinVar variation 4822336 (VCV004822336.4).

ClinVar aggregate classification (germline): Likely benign (1 of 4 stars; one submission).

gnomAD v4.1: 59 of 398,338 alleles (0.015%); highest among the groups gnomAD compares: South Asian, 0.7%; 1 homozygote.

Submission:

CeGaT Center for Human Genetics Tuebingen
Classification: Likely benign. Last evaluated: 2026-02-01. Review status: criteria provided, single submitter. Criteria: CeGaT Center For Human Genetics Tuebingen Variant Classification Criteria Version 2. Collection method: clinical testing. Allele origin: germline. Affected: yes. Observed: 1 variant allele.
Comment: KCNQ1OT1: BS1